The following is an entry in ClinVar:

NM_002382.5(MAX):c.353C>T (p.Ser118Leu)

Gene: MAX (MYC associated transcriptional regulator X; minus strand). Cytogenetic location: 14q23.3.
Variant type: single nucleotide variant.
Coding change: c.353C>T on transcript NM_002382.5 (MANE Select); coding-DNA position 353, C replaced by T.
Protein change: p.Ser118Leu; replaces serine 118 with leucine.
Molecular consequence: missense variant. On other transcripts: intron variant (2), 3 prime UTR variant (1).
Genome position (GRCh38, 1-based): chr14:65,076,606, G>A on the plus strand (C>T on the coding strand, the complement: MAX is on the minus strand). VCF-style: chr14-65076606-G-A. GRCh37 (hg19) VCF-style: chr14-65543324-G-A.
Other names: c.144+17102C>T (NM_001271069.2); c.171+17102C>T (NM_197957.4); c.164C>T, p.Ser55Leu (NM_001320415.2, NM_001407105.1, NM_001407106.1 and 1 more transcripts); c.353C>T, p.Ser118Leu (NM_001407094.1); c.326C>T, p.Ser109Leu (NM_001407095.1, NM_145112.3); c.*126C>T (NM_001407096.1, NM_001407099.1, NM_001407102.1 and 2 more transcripts); c.*142C>T (NM_001407097.1, NM_001407100.1, NM_001407101.1 and 4 more transcripts); c.245C>T, p.Ser82Leu (NM_001407098.1); and 1 more; short protein forms S109L, S55L, S118L, S82L, S51L.
Identifiers: ClinVar variation 946631 (VCV000946631.12), dbSNP rs2063063803, ClinGen allele CA390031812.

ClinVar aggregate classification (germline): Uncertain significance. Review status: criteria provided, multiple submitters, no conflicts (2 of 4 stars). 2 submissions from 2 submitters: Uncertain significance (2). Last evaluated 2025-10-01.

Conditions:
Hereditary cancer-predisposing syndrome. Also called: Hereditary neoplastic syndrome; Hereditary Cancer Syndrome; Tumor predisposition; Neoplastic Syndromes, Hereditary. Identifiers: Orphanet 140162, MedGen C0027672, MeSH D009386, MONDO:0015356.
Hereditary pheochromocytoma and paraganglioma. Also called: Hereditary pheochromocytoma-paraganglioma; Hereditary Paraganglioma-Pheochromocytoma Syndromes; Hereditary paragangliomas and pheochromocytomas. Identifiers: Orphanet 29072, MedGen C4274332, MONDO:0017366.

Submissions (2):

Labcorp Genetics (formerly Invitae), Labcorp
Classification: Uncertain significance for Hereditary pheochromocytoma and paraganglioma. Last evaluated: 2025-10-01. Review status: criteria provided, single submitter. Criteria: Invitae Variant Classification Sherloc (09022015). Collection method: clinical testing. Allele origin: germline.
Comment: This sequence change replaces serine, which is neutral and polar, with leucine, which is neutral and non-polar, at codon 118 of the MAX protein (p.Ser118Leu). This variant is not present in population databases (gnomAD no frequency). This missense change has been observed in individual(s) with MAX-related conditions (PMID: 37529773). This variant is also known as c.164C>T p.(Ser55Leu). ClinVar contains an entry for this variant (Variation ID: 946631). Invitae Evidence Modeling incorporating data from in vitro experimental studies (internal data) indicates that this missense variant is not expected to disrupt MAX function with a negative predictive value of 95%. In summary, the available evidence is currently insufficient to determine the role of this variant in disease. Therefore, it has been classified as a Variant of Uncertain Significance.

Ambry Genetics
Classification: Uncertain significance for Hereditary cancer-predisposing syndrome. Last evaluated: 2024-12-02. Review status: criteria provided, single submitter. Criteria: Ambry Variant Classification Scheme 2023. Collection method: clinical testing. Allele origin: germline.
Comment: The p.S118L variant (also known as c.353C>T), located in coding exon 5 of the MAX gene, results from a C to T substitution at nucleotide position 353. The serine at codon 118 is replaced by leucine, an amino acid with dissimilar properties. This amino acid position is highly conserved in available vertebrate species. In addition, the in silico prediction for this alteration is inconclusive. Since supporting evidence is limited at this time, the clinical significance of this alteration remains unclear.

Literature cited by the submitters: PubMed 37529773 (cited by Labcorp Genetics (formerly Invitae), Labcorp).